The following is an entry in ClinVar:

NM_001206999.2(CIT):c.2784C>T (p.Arg928=)

Gene: CIT (citron rho-interacting serine/threonine kinase; minus strand). Cytogenetic location: 12q24.23.
Variant type: single nucleotide variant.
Coding change: c.2784C>T on transcript NM_001206999.2 (MANE Select); coding-DNA position 2784, C replaced by T.
Protein change: p.Arg928=; no amino-acid change (arginine 928 retained).
Molecular consequence: synonymous variant.
Genome position (GRCh38, 1-based): chr12:119,752,170, G>A on the plus strand (C>T on the coding strand, the complement: CIT is on the minus strand). VCF-style: chr12-119752170-G-A. GRCh37 (hg19) VCF-style: chr12-120189975-G-A.
Other names: c.2658C>T, p.Arg886= (NM_007174.3).
Identifiers: ClinVar variation 2643390 (VCV002643390.25), dbSNP rs571014680, ClinGen allele CA6821682.

ClinVar aggregate classification (germline): Likely benign. Review status: criteria provided, multiple submitters, no conflicts (2 of 4 stars). 2 submissions from 2 submitters: Likely benign (2). Last evaluated 2024-06-07.

Allele frequency attached by ClinVar (database versions not stated): gnomAD exomes 0.00003; TOPMed 0.00003; gnomAD 0.00005; ExAC 0.00008; 1000 Genomes Project 0.00020; 1000 Genomes Project 30x 0.00031.
gnomAD v4.1: 57 of 1,612,530 alleles (0.0035%); highest among the groups gnomAD compares: East Asian, 0.027%; no homozygotes.

Submissions (2):

Blueprint Genetics
Classification: Likely benign. Last evaluated: 2024-06-07. Review status: criteria provided, single submitter. Criteria: ACMG Guidelines, 2015. Collection method: clinical testing. Allele origin: germline.

CeGaT Center for Human Genetics Tuebingen
Classification: Likely benign. Last evaluated: 2023-04-01. Review status: criteria provided, single submitter. Criteria: CeGaT Center For Human Genetics Tuebingen Variant Classification Criteria Version 2. Collection method: clinical testing. Allele origin: germline. Affected: yes. Observed: 1 variant allele.
Comment: CIT: BP4, BP7